The following is an entry in ClinVar:

ClinVar aggregate classification (germline): Uncertain significance (1 of 4 stars; one submission).

Conditions:
FAT1-related disorder. Also called: FAT1-related condition.

gnomAD v4.1: 82 of 1,613,768 alleles (0.0051%); highest among the groups gnomAD compares: Non-Finnish European, 0.0067%; no homozygotes.

Submission:

PreventionGenetics, part of Exact Sciences
Classification: Uncertain significance for FAT1-related condition. Last evaluated: 2023-08-01. Review status: criteria provided, single submitter. Criteria: ACMG Guidelines, 2015. Collection method: clinical testing. Allele origin: germline.
Comment: The FAT1 c.11003G>T variant is predicted to result in the amino acid substitution p.Arg3668Leu. To our knowledge, this variant has not been reported in the literature. This variant is reported in 0.0080% of alleles in individuals of European (Non-Finnish) descent in gnomAD. At this time, the clinical significance of this variant is uncertain due to the absence of conclusive functional and genetic evidence.

NM_005245.4(FAT1):c.11003G>T (p.Arg3668Leu)

Genes: FAT1 (FAT atypical cadherin 1; minus strand), LOC126807254 (BRD4-independent group 4 enhancer GRCh37_chr4:187524269-187525468; plus strand). Cytogenetic location: 4q35.2.
Variant type: single nucleotide variant.
Coding change: c.11003G>T on transcript NM_005245.4 (MANE Select); coding-DNA position 11003, G replaced by T.
Protein change: p.Arg3668Leu; replaces arginine 3668 with leucine.
Molecular consequence: missense variant.
Genome position (GRCh38, 1-based): chr4:186,603,523, C>A on the plus strand (G>T on the coding strand, the complement: FAT1 is on the minus strand). VCF-style: chr4-186603523-C-A. GRCh37 (hg19) VCF-style: chr4-187524677-C-A.
Other names: short protein forms R3668L.
Identifiers: ClinVar variation 2629127 (VCV002629127.1), dbSNP rs201075554, ClinGen allele CA3165208.
Genomic context (GRCh38, chr4:186,603,523, plus strand): 5'-GGTTCAGAGGACTGCAAACTAACAATCTGTATGTCGTTCCTCCTCACACCCAGGATGTTC[C>A]GTAAAGCTCGCTGGAAGTTGCGCCAGTAGTCACCAACGAATTCTTCCGGAGTGAGGTTGG-3'
Protein context (NP_005236.2, residues 3658-3678): DYWRNFQRAL[Arg3668Leu]NILGVRRNDI